The following is an entry in ClinVar:

NM_004453.4(ETFDH):c.1700A>C (p.Glu567Ala)

Gene: ETFDH (electron transfer flavoprotein dehydrogenase; plus strand). Cytogenetic location: 4q32.1.
Variant type: single nucleotide variant.
Coding change: c.1700A>C on transcript NM_004453.4 (MANE Select); coding-DNA position 1700, A replaced by C.
Protein change: p.Glu567Ala; replaces glutamic acid 567 with alanine.
Molecular consequence: missense variant.
Genome position (GRCh38, 1-based): chr4:158,708,373, A>C. VCF-style: chr4-158708373-A-C. GRCh37 (hg19) VCF-style: chr4-159629525-A-C.
Other names: c.1559A>C, p.Glu520Ala (NM_001281737.2); c.1517A>C, p.Glu506Ala (NM_001281738.1); short protein forms E506A, E520A, E567A.
Identifiers: ClinVar variation 1306332 (VCV001306332.2), dbSNP rs2126320726, ClinGen allele CA358566359.

ClinVar aggregate classification (germline): Uncertain significance (1 of 4 stars; one submission).

Submission:

GeneDx
Classification: Uncertain significance. Last evaluated: 2019-06-14. Review status: criteria provided, single submitter. Criteria: GeneDx Variant Classification Process June 2021. Collection method: clinical testing. Allele origin: germline. Affected: yes.
Comment: Not observed in large population cohorts (Lek et al., 2016); In silico analysis, which includes protein predictors and evolutionary conservation, supports a deleterious effect